The following is an entry in ClinVar:

NM_007286.6(SYNPO):c.2367CCCGCC[4] (p.Pro800_Arg801insProProProProProProProPro)

Gene: SYNPO (synaptopodin; plus strand). Cytogenetic location: 5q33.1.
Variant type: Microsatellite.
Coding change: c.2367CCCGCC[4] on transcript NM_007286.6 (MANE Select); four copies in a row of the 6-base unit CCCGCC starting at c.2367.
Protein change: p.Pro800_Arg801insProProProProProProProPro.
Genome position: GRCh38 VCF-style: chr5-150656737-G-GCGCCCCCGCCCCCGCCCCCGCCCC. GRCh37 (hg19) VCF-style: chr5-150036299-G-GCGCCCCCGCCCCCGCCCCCGCCCC.
Identifiers: ClinVar variation 4781379 (VCV004781379.1).

ClinVar aggregate classification (germline): Uncertain significance (1 of 4 stars; one submission).

Submission:

Labcorp Genetics (formerly Invitae), Labcorp
Classification: Uncertain significance. Last evaluated: 2025-05-15. Review status: criteria provided, single submitter. Criteria: Invitae Variant Classification Sherloc (09022015). Collection method: clinical testing. Allele origin: germline.
Comment: This variant, c.2366_2367ins24, results in the insertion of 8 amino acid(s) of the SYNPO protein (p.Pro793_Pro800dup), but otherwise preserves the integrity of the reading frame. This variant is present in population databases (no rsID available, gnomAD 0.03%). This variant has not been reported in the literature in individuals affected with SYNPO-related conditions. Experimental studies and prediction algorithms are not available or were not evaluated, and the functional significance of this variant is currently unknown. In summary, the available evidence is currently insufficient to determine the role of this variant in disease. Therefore, it has been classified as a Variant of Uncertain Significance.